The following is an entry in ClinVar:

ClinVar aggregate classification (germline): Likely benign (1 of 4 stars; one submission).

Allele frequency attached by ClinVar (database versions not stated): gnomAD exomes 0.00027; TOPMed 0.00040; gnomAD 0.00046; ExAC 0.00049; 1000 Genomes Project 0.00120; 1000 Genomes Project 30x 0.00141.
gnomAD v4.1: 468 of 1,597,348 alleles (0.029%); highest among the groups gnomAD compares: East Asian, 0.15%; 3 homozygotes.

Submission:

CeGaT Center for Human Genetics Tuebingen
Classification: Likely benign. Last evaluated: 2022-10-01. Review status: criteria provided, single submitter. Criteria: CeGaT Center For Human Genetics Tuebingen Variant Classification Criteria Version 2. Collection method: clinical testing. Allele origin: germline. Affected: yes. Observed: 1 variant allele.
Comment: FAM90A1: BP4, BP7

NM_018088.3(FAM90A1):c.1224G>C (p.Leu408=)

Gene: FAM90A1 (family with sequence similarity 90 member A1; minus strand). Cytogenetic location: 12p13.31.
Variant type: single nucleotide variant.
Coding change: c.1224G>C on transcript NM_018088.3 (MANE Select); coding-DNA position 1224, G replaced by C.
Protein change: p.Leu408=; no amino-acid change (leucine 408 retained).
Molecular consequence: synonymous variant.
Genome position (GRCh38, 1-based): chr12:8,221,993, C>G on the plus strand (G>C on the coding strand, the complement: FAM90A1 is on the minus strand). VCF-style: chr12-8221993-C-G. GRCh37 (hg19) VCF-style: chr12-8374589-C-G.
Other names: c.1224G>C, p.Leu408= (NM_001319982.2).
Identifiers: ClinVar variation 2642686 (VCV002642686.24), dbSNP rs11044099, ClinGen allele CA6433037.